The following is an entry in ClinVar:

ClinVar aggregate classification (germline): Uncertain significance (1 of 4 stars; one submission).

Conditions:
Hereditary cancer-predisposing syndrome. Also called: Neoplastic Syndromes, Hereditary; Tumor predisposition; Hereditary Cancer Syndrome; Hereditary neoplastic syndrome. Identifiers: Orphanet 140162, MedGen C0027672, MeSH D009386, MONDO:0015356.

Submission:

Color Diagnostics, LLC DBA Color Health
Classification: Uncertain significance for Hereditary cancer-predisposing syndrome. Last evaluated: 2023-12-05. Review status: criteria provided, single submitter. Criteria: ACMG Guidelines, 2015. Collection method: clinical testing. Allele origin: germline.
Comment: This missense variant replaces aspartic acid with glycine at codon 1810 of the APC protein. Computational prediction suggests that this variant may not impact protein structure and function (internally defined REVEL score threshold <= 0.5, PMID: 27666373). To our knowledge, functional studies have not been reported for this variant. This variant has not been reported in individuals affected with APC-related disorders in the literature. This variant has not been identified in the general population by the Genome Aggregation Database (gnomAD). The available evidence is insufficient to determine the role of this variant in disease conclusively. Therefore, this variant is classified as a Variant of Uncertain Significance.

NM_000038.6(APC):c.5429A>G (p.Asp1810Gly)

Gene: APC (APC regulator of Wnt signaling pathway; plus strand). Cytogenetic location: 5q22.2.
Variant type: single nucleotide variant.
Coding change: c.5429A>G on transcript NM_000038.6 (MANE Select); coding-DNA position 5429, A replaced by G.
Protein change: p.Asp1810Gly; replaces aspartic acid 1810 with glycine.
Molecular consequence: missense variant.
Genome position (GRCh38, 1-based): chr5:112,841,023, A>G. VCF-style: chr5-112841023-A-G. GRCh37 (hg19) VCF-style: chr5-112176720-A-G.
Other names: c.5429A>G, p.Asp1810Gly (NM_001127510.3, NM_001354895.2); c.5375A>G, p.Asp1792Gly (NM_001127511.3); c.5483A>G, p.Asp1828Gly (NM_001354896.2); c.5459A>G, p.Asp1820Gly (NM_001354897.2); c.5354A>G, p.Asp1785Gly (NM_001354898.2); c.5345A>G, p.Asp1782Gly (NM_001354899.2); c.5306A>G, p.Asp1769Gly (NM_001354900.2); c.5252A>G, p.Asp1751Gly (NM_001354901.2); and 5 more; short protein forms D1684G, D1719G, D1782G, D1828G, D1769G, D1650G, D1792G, D1527G.
Identifiers: ClinVar variation 927005 (VCV000927005.4), dbSNP rs1765951971, ClinGen allele CA16033201.
Genomic context (GRCh38, chr5:112,841,023, plus strand): 5'-GAAAAAATGCAGACTCAAAAAATAATTTAAATGCTGAGAGAGTTTTCTCAGACAACAAAG[A>G]TTCAAAGAAACAGAATTTGAAAAATAATTCCAAGGTCTTCAATGATAAGCTCCCAAATAA-3'
Protein context (NP_000029.2, residues 1800-1820): NAERVFSDNK[Asp1810Gly]SKKQNLKNNS